The following is an entry in ClinVar:

ClinVar aggregate classification (germline): Likely benign. Review status: criteria provided, multiple submitters, no conflicts (2 of 4 stars). 2 submissions from 2 submitters: Likely benign (2). Last evaluated 2026-07-01.

Allele frequency attached by ClinVar (database versions not stated): gnomAD exomes below 0.00001; gnomAD 0.00001.
gnomAD v4.1: 3 of 1,614,008 alleles (0.00019%); highest among the groups gnomAD compares: African/African-American, 0.0013%; no homozygotes.

Submissions (2):

CeGaT Center for Human Genetics Tuebingen
Classification: Likely benign. Last evaluated: 2026-07-01. Review status: criteria provided, single submitter. Criteria: CeGaT Center For Human Genetics Tuebingen Variant Classification Criteria Version 2. Collection method: clinical testing. Allele origin: germline. Affected: yes. Observed: 1 variant allele.
Comment: ARHGAP31: BP4, BP7

Labcorp Genetics (formerly Invitae), Labcorp
Classification: Likely benign. Last evaluated: 2023-09-27. Review status: criteria provided, single submitter. Criteria: Invitae Variant Classification Sherloc (09022015). Collection method: clinical testing. Allele origin: germline.

NM_020754.4(ARHGAP31):c.3117C>T (p.Ser1039=)

Gene: ARHGAP31 (Rho GTPase activating protein 31; plus strand). Cytogenetic location: 3q13.33.
Variant type: single nucleotide variant.
Coding change: c.3117C>T on transcript NM_020754.4 (MANE Select); coding-DNA position 3117, C replaced by T.
Protein change: p.Ser1039=; no amino-acid change (serine 1039 retained).
Molecular consequence: synonymous variant.
Genome position (GRCh38, 1-based): chr3:119,415,046, C>T. VCF-style: chr3-119415046-C-T. GRCh37 (hg19) VCF-style: chr3-119133893-C-T.
Identifiers: ClinVar variation 2967170 (VCV002967170.5), dbSNP rs1338354101, ClinGen allele CA435412095.
Genomic context (GRCh38, chr3:119,415,046, plus strand): 5'-TCCCAACCAGAAGGGACCAAGTGGTGTGCAACCCAACCCAGCAGAAACCAGCCCCATCAG[C>T]CTAGCAGAGGGAAAGGAGCTAGGGACACACCTGGGGCACAGCAGTCCACAGATTAGGCAA-3'
Protein context (NP_065805.2, residues 1029-1049): QPNPAETSPI[Ser1039=]LAEGKELGTH